The following is an entry in ClinVar:

ClinVar aggregate classification (germline): Uncertain significance (1 of 4 stars; one submission).

Conditions:
Hereditary cancer-predisposing syndrome. Also called: Neoplastic Syndromes, Hereditary; Tumor predisposition; Hereditary neoplastic syndrome; Hereditary Cancer Syndrome. Identifiers: Orphanet 140162, MedGen C0027672, MeSH D009386, MONDO:0015356.

Submission:

Ambry Genetics
Classification: Uncertain significance for Hereditary cancer-predisposing syndrome. Last evaluated: 2024-01-29. Review status: criteria provided, single submitter. Criteria: Ambry Variant Classification Scheme 2023. Collection method: clinical testing. Allele origin: germline.
Comment: The p.E1312D variant (also known as c.3936G>C), located in coding exon 27 of the SMARCA4 gene, results from a G to C substitution at nucleotide position 3936. The glutamic acid at codon 1312 is replaced by aspartic acid, an amino acid with highly similar properties. This amino acid position is highly conserved in available vertebrate species. In addition, the in silico prediction for this alteration is inconclusive. Based on the available evidence, the clinical significance of this alteration remains unclear.

NM_003072.5(SMARCA4):c.3936G>C (p.Glu1312Asp)

Gene: SMARCA4 (SWI/SNF related BAF chromatin remodeling complex subunit ATPase 4; plus strand). Cytogenetic location: 19p13.2.
Variant type: single nucleotide variant.
Coding change: c.3936G>C on transcript NM_003072.5 (MANE Select); coding-DNA position 3936, G replaced by C.
Protein change: p.Glu1312Asp; replaces glutamic acid 1312 with aspartic acid.
Molecular consequence: missense variant. On other transcripts: non-coding transcript variant (1).
Genome position (GRCh38, 1-based): chr19:11,034,185, G>C. VCF-style: chr19-11034185-G-C. GRCh37 (hg19) VCF-style: chr19-11144861-G-C.
Other names: c.3837G>C, p.Glu1279Asp (NM_001411150.1, NM_001128845.2, NM_001128846.2 and 3 more transcripts); c.3936G>C, p.Glu1312Asp (NM_001128844.3, NM_001128849.3, NM_001387283.1); short protein forms E1279D, E1312D.
Identifiers: ClinVar variation 3233115 (VCV003233115.1), dbSNP rs2146679414, ClinGen allele CA404067927.
Genomic context (GRCh38, chr19:11,034,185, plus strand): 5'-GGAAGACGAGGTGCCCGACGACGAGACCGTCAACCAGATGATCGCCCGGCACGAGGAGGA[G>C]TTTGATCTGTTCATGGTAAGCGCTGCAGGCTGGATGGGGCAGTTCAGGCATCCCACTCTG-3'
Protein context (NP_003063.2, residues 1302-1322): VNQMIARHEE[Glu1312Asp]FDLFMRMDLD